The following is an entry in ClinVar:

NM_198576.4(AGRN):c.3271A>G (p.Ser1091Gly)

Gene: AGRN (agrin; plus strand). Cytogenetic location: 1p36.33.
Variant type: single nucleotide variant.
Coding change: c.3271A>G on transcript NM_198576.4 (MANE Select); coding-DNA position 3271, A replaced by G.
Protein change: p.Ser1091Gly; replaces serine 1091 with glycine.
Molecular consequence: missense variant.
Genome position (GRCh38, 1-based): chr1:1,046,840, A>G. VCF-style: chr1-1046840-A-G. GRCh37 (hg19) VCF-style: chr1-982220-A-G.
Other names: c.3271A>G, p.Ser1091Gly (NM_001305275.2); c.2956A>G, p.Ser986Gly (NM_001364727.2); short protein forms S1091G, S986G.
Identifiers: ClinVar variation 2791457 (VCV002791457.3), dbSNP rs2522730598, ClinGen allele CA337848173.

ClinVar aggregate classification (germline): Uncertain significance (1 of 4 stars; one submission).

Conditions:
Congenital myasthenic syndrome 8. Also called: MYASTHENIC SYNDROME, CONGENITAL, DUE TO AGRIN DEFICIENCY; Myasthenic syndrome, congenital, 8, with pre- and postsynaptic defects. Identifiers: Orphanet 590, MedGen C3808739, MONDO:0014052, OMIM 615120.

Submission:

Labcorp Genetics (formerly Invitae), Labcorp
Classification: Uncertain significance for Congenital myasthenic syndrome 8. Last evaluated: 2023-09-29. Review status: criteria provided, single submitter. Criteria: Invitae Variant Classification Sherloc (09022015). Collection method: clinical testing. Allele origin: germline.
Comment: This sequence change replaces serine, which is neutral and polar, with glycine, which is neutral and non-polar, at codon 1091 of the AGRN protein (p.Ser1091Gly). This variant is not present in population databases (gnomAD no frequency). This variant has not been reported in the literature in individuals affected with AGRN-related conditions. Algorithms developed to predict the effect of missense changes on protein structure and function output the following: SIFT: "Not Available"; PolyPhen-2: "Benign"; Align-GVGD: "Not Available". The glycine amino acid residue is found in multiple mammalian species, which suggests that this missense change does not adversely affect protein function. In summary, the available evidence is currently insufficient to determine the role of this variant in disease. Therefore, it has been classified as a Variant of Uncertain Significance.